The following is an entry in ClinVar:

NM_006017.3(PROM1):c.1302G>A (p.Trp434Ter)

Gene: PROM1 (prominin 1; minus strand). Cytogenetic location: 4p15.32.
Variant type: single nucleotide variant.
Coding change: c.1302G>A on transcript NM_006017.3 (MANE Select); coding-DNA position 1302, G replaced by A.
Protein change: p.Trp434Ter; replaces tryptophan 434 with a stop codon.
Molecular consequence: nonsense.
Genome position (GRCh38, 1-based): chr4:16,006,690, C>T on the plus strand (G>A on the coding strand, the complement: PROM1 is on the minus strand). VCF-style: chr4-16006690-C-T. GRCh37 (hg19) VCF-style: chr4-16008313-C-T.
Other names: c.1275G>A, p.Trp425Ter (NM_001145847.2, NM_001145848.2, NM_001145851.2 and 4 more transcripts); c.1302G>A, p.Trp434Ter (NM_001145849.2, NM_001145850.2); short protein forms W425*, W434*.
Identifiers: ClinVar variation 1328094 (VCV001328094.4), dbSNP rs1340013236, ClinGen allele CA356435684.

ClinVar aggregate classification (germline): Pathogenic. Review status: criteria provided, single submitter (1 of 4 stars). 3 submissions from 3 submitters: Pathogenic (1). 2 of the submissions do not count toward it. Last evaluated 2025-03-30.

Allele frequency attached by ClinVar (database versions not stated): TOPMed below 0.00001; gnomAD 0.00001; gnomAD exomes 0.00001.
gnomAD v4.1: 4 of 1,612,566 alleles (0.00025%); highest among the groups gnomAD compares: Non-Finnish European, 0.00034%; no homozygotes.

Submissions (3):

Labcorp Genetics (formerly Invitae), Labcorp
Classification: Pathogenic. Last evaluated: 2025-03-30. Review status: criteria provided, single submitter. Criteria: Invitae Variant Classification Sherloc (09022015). Collection method: clinical testing. Allele origin: germline.
Comment: This sequence change creates a premature translational stop signal (p.Trp434*) in the PROM1 gene. It is expected to result in an absent or disrupted protein product. Loss-of-function variants in PROM1 are known to be pathogenic (PMID: 17605048, 19718270, 24154662, 25474345). This variant is not present in population databases (gnomAD no frequency). This premature translational stop signal has been observed in individual(s) with retinal disease (PMID: 36460718). ClinVar contains an entry for this variant (Variation ID: 1328094). For these reasons, this variant has been classified as Pathogenic.

Clinical Genetics DNA and cytogenetics Diagnostics Lab, Erasmus MC, Erasmus Medical Center
Classification: Pathogenic. Review status: no assertion criteria provided. Collection method: clinical testing. Allele origin: germline. Affected: yes. Study: VKGL Data-share Consensus. Not counted in ClinVar's aggregate classification.

Clinical Genetics, Academic Medical Center
Classification: Pathogenic. Review status: no assertion criteria provided. Collection method: clinical testing. Allele origin: germline. Affected: yes. Study: VKGL Data-share Consensus. Not counted in ClinVar's aggregate classification.

Literature cited by the submitters: PubMed 17605048 (cited by Labcorp Genetics (formerly Invitae), Labcorp); PubMed 19718270 (cited by Labcorp Genetics (formerly Invitae), Labcorp); PubMed 24154662 (cited by Labcorp Genetics (formerly Invitae), Labcorp); PubMed 25474345 (cited by Labcorp Genetics (formerly Invitae), Labcorp); PubMed 36460718 (cited by Labcorp Genetics (formerly Invitae), Labcorp).